The following is an entry in ClinVar:

ClinVar aggregate classification (germline): Uncertain significance (1 of 4 stars; one submission).

Submission:

Labcorp Genetics (formerly Invitae), Labcorp
Classification: Uncertain significance. Last evaluated: 2022-04-13. Review status: criteria provided, single submitter. Criteria: Invitae Variant Classification Sherloc (09022015). Collection method: clinical testing. Allele origin: germline.
Comment: In summary, the available evidence is currently insufficient to determine the role of this variant in disease. Therefore, it has been classified as a Variant of Uncertain Significance. Advanced modeling of protein sequence and biophysical properties (such as structural, functional, and spatial information, amino acid conservation, physicochemical variation, residue mobility, and thermodynamic stability) performed at Invitae indicates that this missense variant is not expected to disrupt SLC12A2 protein function. This variant has not been reported in the literature in individuals affected with SLC12A2-related conditions. This variant is not present in population databases (gnomAD no frequency). This sequence change replaces isoleucine, which is neutral and non-polar, with valine, which is neutral and non-polar, at codon 1039 of the SLC12A2 protein (p.Ile1039Val).

NM_001046.3(SLC12A2):c.3115A>G (p.Ile1039Val)

Gene: SLC12A2 (solute carrier family 12 member 2; plus strand). Cytogenetic location: 5q23.3.
Variant type: single nucleotide variant.
Coding change: c.3115A>G on transcript NM_001046.3 (MANE Select); coding-DNA position 3115, A replaced by G.
Protein change: p.Ile1039Val; replaces isoleucine 1039 with valine.
Molecular consequence: missense variant. On other transcripts: non-coding transcript variant (1).
Genome position (GRCh38, 1-based): chr5:128,180,897, A>G. VCF-style: chr5-128180897-A-G. GRCh37 (hg19) VCF-style: chr5-127516589-A-G.
Other names: c.3067A>G, p.Ile1023Val (NM_001256461.2); short protein forms I1039V, I1023V.
Identifiers: ClinVar variation 2126058 (VCV002126058.4), dbSNP rs2479489466, ClinGen allele CA360739380.
Genomic context (GRCh38, chr5:128,180,897, plus strand): 5'-AGAAATTTGCATTTAGTAAATGATTTATTACATTTTTATAATTCAGGTTTGACCTTATTG[A>G]TACCTTACCTTCTGACGACCAAGAAAAAATGGAAAGACTGTAAGATCAGAGTATTCATTG-3'
Protein context (NP_001037.1, residues 1029-1049): LFDDGGLTLL[Ile1039Val]PYLLTTKKKW